The following is an entry in ClinVar:

NM_033026.6(PCLO):c.4253C>G (p.Ser1418Cys)

Gene: PCLO (piccolo presynaptic cytomatrix protein; minus strand). Cytogenetic location: 7q21.11.
Variant type: single nucleotide variant.
Coding change: c.4253C>G on transcript NM_033026.6 (MANE Select); coding-DNA position 4253, C replaced by G.
Protein change: p.Ser1418Cys; replaces serine 1418 with cysteine.
Molecular consequence: missense variant.
Genome position (GRCh38, 1-based): chr7:82,956,700, G>C on the plus strand (C>G on the coding strand, the complement: PCLO is on the minus strand). VCF-style: chr7-82956700-G-C. GRCh37 (hg19) VCF-style: chr7-82586016-G-C.
Other names: c.4253C>G, p.Ser1418Cys (NM_014510.3); c.4253C>G (NM_033026.5); short protein forms S1418C.
Identifiers: ClinVar variation 1960308 (VCV001960308.3), dbSNP rs748216939, ClinGen allele CA4320863.
Genomic context (GRCh38, chr7:82,956,700, plus strand): 5'-GGTTGTGTTTTCTTTTCTGACTTTTCATCAGCAAGTGTACTTGCTTGAGCTTCCAAAATA[G>C]ATAGGACTGTACTTTCTAACTTAGCCAAATCTGAGGGGCTGGAAGGGCTGCTTTCTTGTG-3'
Protein context (NP_149015.2, residues 1408-1428): DLAKLESTVL[Ser1418Cys]ILEAQASTLA

ClinVar aggregate classification (germline): Uncertain significance. Review status: criteria provided, multiple submitters, no conflicts (2 of 4 stars). 2 submissions from 2 submitters: Uncertain significance (2). Last evaluated 2025-01-21.

Conditions:
Inborn genetic diseases. Identifiers: MedGen C0950123, MeSH D030342.

Allele frequency attached by ClinVar (database versions not stated): ExAC 0.00001; gnomAD 0.00003; TOPMed 0.00003.
gnomAD v4.1: 148 of 1,613,584 alleles (0.0092%); highest among the groups gnomAD compares: Non-Finnish European, 0.012%; no homozygotes.

Submissions (2):

Ambry Genetics
Classification: Uncertain significance for Inborn genetic diseases. Last evaluated: 2025-01-21. Review status: criteria provided, single submitter. Criteria: Ambry Variant Classification Scheme 2023. Collection method: clinical testing. Allele origin: germline.

Labcorp Genetics (formerly Invitae), Labcorp
Classification: Uncertain significance. Last evaluated: 2022-07-25. Review status: criteria provided, single submitter. Criteria: Invitae Variant Classification Sherloc (09022015). Collection method: clinical testing. Allele origin: germline.
Comment: This sequence change replaces serine, which is neutral and polar, with cysteine, which is neutral and slightly polar, at codon 1418 of the PCLO protein (p.Ser1418Cys). This variant is present in population databases (rs748216939, gnomAD 0.004%). This variant has not been reported in the literature in individuals affected with PCLO-related conditions. Algorithms developed to predict the effect of missense changes on protein structure and function are either unavailable or do not agree on the potential impact of this missense change (SIFT: "Deleterious"; PolyPhen-2: "Not Available"; Align-GVGD: "Class C0"). In summary, the available evidence is currently insufficient to determine the role of this variant in disease. Therefore, it has been classified as a Variant of Uncertain Significance.